The following is an entry in ClinVar:

ClinVar aggregate classification (germline): Likely benign. Review status: criteria provided, single submitter (1 of 4 stars). 3 submissions from 3 submitters: Likely benign (1). 2 of the submissions do not count toward it. Last evaluated 2022-12-01.

Allele frequency attached by ClinVar (database versions not stated): gnomAD 0.00002; gnomAD exomes 0.00002 and 0.00009; TOPMed 0.00003; ExAC 0.00027.

Submissions (3):

CeGaT Center for Human Genetics Tuebingen
Classification: Likely benign. Last evaluated: 2022-12-01. Review status: criteria provided, single submitter. Criteria: CeGaT Center For Human Genetics Tuebingen Variant Classification Criteria Version 2. Collection method: clinical testing. Allele origin: germline. Affected: yes. Observed: 1 variant allele.
Comment: SOX17: BP4, BP7

Clinical Genetics DNA and cytogenetics Diagnostics Lab, Erasmus MC, Erasmus Medical Center
Classification: Likely benign. Review status: no assertion criteria provided. Collection method: clinical testing. Allele origin: germline. Affected: yes. Study: VKGL Data-share Consensus. Not counted in ClinVar's aggregate classification.

Genome Diagnostics Laboratory, University Medical Center Utrecht
Classification: Likely benign. Review status: no assertion criteria provided. Collection method: clinical testing. Allele origin: germline. Affected: yes. Study: VKGL Data-share Consensus. Not counted in ClinVar's aggregate classification.

NM_022454.4(SOX17):c.867A>T (p.Pro289=)

Gene: SOX17 (SRY-box transcription factor 17; plus strand). Cytogenetic location: 8q11.23.
Variant type: single nucleotide variant.
Coding change: c.867A>T on transcript NM_022454.4 (MANE Select); coding-DNA position 867, A replaced by T.
Protein change: p.Pro289=; no amino-acid change (proline 289 retained).
Molecular consequence: synonymous variant.
Genome position (GRCh38, 1-based): chr8:54,459,617, A>T. VCF-style: chr8-54459617-A-T. GRCh37 (hg19) VCF-style: chr8-55372177-A-T.
Identifiers: ClinVar variation 1299844 (VCV001299844.25), dbSNP rs778271163, ClinGen allele CA4750980.